The following is an entry in ClinVar:

NM_012424.6(RPS6KC1):c.484G>A (p.Asp162Asn)

Gene: RPS6KC1 (ribosomal protein S6 kinase C1; plus strand). Cytogenetic location: 1q32.3.
Variant type: single nucleotide variant.
Coding change: c.484G>A on transcript NM_012424.6 (MANE Select); coding-DNA position 484, G replaced by A.
Protein change: p.Asp162Asn; replaces aspartic acid 162 with asparagine.
Molecular consequence: missense variant. On other transcripts: 5 prime UTR variant (23), non-coding transcript variant (3), intron variant (5).
Genome position (GRCh38, 1-based): chr1:213,129,538, G>A. VCF-style: chr1-213129538-G-A. GRCh37 (hg19) VCF-style: chr1-213302881-G-A.
Other names: c.448G>A, p.Asp150Asn (NM_001136138.4); c.-60G>A (NM_001287218.3, NM_001287219.3, NM_001287221.3 and 7 more transcripts); c.-731G>A (NM_001287220.3, NM_001349666.2, NM_001349667.2 and 4 more transcripts); c.484G>A, p.Asp162Asn (NM_001349646.2); c.-804G>A (NM_001349659.2); c.-724G>A (NM_001349660.2, NM_001349661.2, NM_001349662.2); c.-638G>A (NM_001349664.2, NM_001349670.2); c.-57+12128G>A (NM_001349658.2); and 4 more; short protein forms D150N, D162N.
Identifiers: ClinVar variation 3728012 (VCV003728012.2).

ClinVar aggregate classification (germline): Uncertain significance (1 of 4 stars; one submission).

Submission:

Labcorp Genetics (formerly Invitae), Labcorp
Classification: Uncertain significance. Last evaluated: 2024-12-28. Review status: criteria provided, single submitter. Criteria: Invitae Variant Classification Sherloc (09022015). Collection method: clinical testing. Allele origin: germline.
Comment: This sequence change replaces aspartic acid, which is acidic and polar, with asparagine, which is neutral and polar, at codon 162 of the RPS6KC1 protein (p.Asp162Asn). This variant is not present in population databases (gnomAD no frequency). This variant has not been reported in the literature in individuals affected with RPS6KC1-related conditions. An algorithm developed to predict the effect of missense changes on protein structure and function (PolyPhen-2) suggests that this variant is likely to be disruptive. In summary, the available evidence is currently insufficient to determine the role of this variant in disease. Therefore, it has been classified as a Variant of Uncertain Significance.